The following is an entry in ClinVar:

NM_000481.4(AMT):c.2T>A (p.Met1Lys)

Genes: NICN1 (nicolin 1, tubulin polyglutamylase complex subunit; minus strand), AMT (aminomethyltransferase; minus strand). Cytogenetic location: 3p21.31.
Variant type: single nucleotide variant.
Coding change: c.2T>A on transcript NM_000481.4 (MANE Select); coding-DNA position 2, T replaced by A.
Protein change: p.Met1Lys; changes the start codon (methionine 1).
Molecular consequence: missense variant, initiator codon variant. On other transcripts: non-coding transcript variant (1), 3 prime UTR variant (1).
Genome position (GRCh38, 1-based): chr3:49,422,449, A>T on the plus strand (T>A on the coding strand, the complement: AMT is on the minus strand). VCF-style: chr3-49422449-A-T. GRCh37 (hg19) VCF-style: chr3-49459882-A-T.
Other names: c.2T>A, p.Met1Lys (NM_001164710.2, NM_001164711.2, NM_001164712.2); c.*2384T>A (NM_032316.3); short protein forms M1K.
Identifiers: ClinVar variation 1071338 (VCV001071338.6), dbSNP rs1266259634, ClinGen allele CA352791542.

ClinVar aggregate classification (germline): Pathogenic (1 of 4 stars; one submission).

Conditions:
Glycine encephalopathy. Also called: Nonketotic hyperglycinemia; Non-ketotic hyperglycinemia. Identifiers: Orphanet 407, MedGen C0751748, MONDO:0011612, HP:0008288.

Submission:

Labcorp Genetics (formerly Invitae), Labcorp
Classification: Pathogenic for Glycine encephalopathy. Last evaluated: 2020-05-11. Review status: criteria provided, single submitter. Criteria: Invitae Variant Classification Sherloc (09022015). Collection method: clinical testing. Allele origin: germline.
Comment: For these reasons, this variant has been classified as Pathogenic. Disruption of the initiator codon has been observed to be homozygous in individuals affected with glycine encephalopathy (PMID: 26179960). This variant is not present in population databases (ExAC no frequency). This sequence change affects the initiator methionine of the AMT mRNA. The next in-frame methionine is located at codon 49.

Literature cited by the submitters: PubMed 26179960.